The following is an entry in ClinVar:

ClinVar aggregate classification (germline): Benign. Review status: reviewed by expert panel (3 of 4 stars). 3 submissions from 3 submitters: Benign (1). 2 of the submissions do not count toward it. Last evaluated 2015-01-12.

Conditions:
Breast-ovarian cancer, familial, susceptibility to, 1 (BROVCA1). Also called: BRCA1 Hereditary Breast and Ovarian Cancer; OVARIAN CANCER, SUSCEPTIBILITY TO. Identifiers: Orphanet 145, MedGen C2676676, MONDO:0011450, OMIM 604370. Disease mechanism: loss of function.

Allele frequency attached by ClinVar (database versions not stated): TOPMed 0.28333; gnomAD 0.29150 and 0.30015; 1000 Genomes Project 0.33546; gnomAD exomes 0.34914.
gnomAD v4.1: 258,550 of 762,992 alleles (34%); highest among the groups gnomAD compares: South Asian, 50%; 45,801 homozygotes.

Submissions (3):

Evidence-based Network for the Interpretation of Germline Mutant Alleles (ENIGMA)
Classification: Benign for Breast-ovarian cancer, familial 1. Last evaluated: 2015-01-12. Review status: reviewed by expert panel. Criteria: ENIGMA BRCA1/2 Classification Criteria (2015). Collection method: curation. Allele origin: germline.
Comment: Class 1 not pathogenic based on frequency >1% in an outbred sampleset. Frequency 0.3304 (Asian), 0.128 (African), 0.3536 (European), derived from 1000 genomes (2012-04-30).

GeneDx
Classification: Benign. Last evaluated: 2019-08-19. Review status: criteria provided, single submitter. Criteria: GeneDx Variant Classification Process June 2021. Collection method: clinical testing. Allele origin: germline. Affected: yes. Not counted in ClinVar's aggregate classification.

Breakthrough Genomics
Classification: Benign. Review status: criteria provided, single submitter. Criteria: ACMG Guidelines, 2015. Collection method: not provided. Allele origin: germline. Inheritance: Autosomal recessive inheritance. Affected: yes. Not counted in ClinVar's aggregate classification.

NM_007294.4(BRCA1):c.4358-2590T>G

Gene: BRCA1 (BRCA1 DNA repair associated; minus strand). Cytogenetic location: 17q21.31.
Variant type: single nucleotide variant.
Coding change: c.4358-2590T>G on transcript NM_007294.4 (MANE Select); 2590 bases into the intron before coding-DNA position 4358, T replaced by G.
Molecular consequence: intron variant.
Genome position (GRCh38, 1-based): chr17:43,079,204, A>C on the plus strand (T>G on the coding strand, the complement: BRCA1 is on the minus strand). VCF-style: chr17-43079204-A-C. GRCh37 (hg19) VCF-style: chr17-41231221-A-C.
Other names: IVS 13-2590T>G; c.908-2593T>G (NM_001408458.1, NM_001408461.1, NM_001408459.1 and 1 more transcripts); c.3470-2593T>G (NM_001407967.1); c.3977-2590T>G (NM_001407959.1); c.4091-2590T>G (NM_001407931.1, NM_001407932.1, NM_001407930.1 and 1 more transcripts); c.4214-2590T>G (NM_001407747.1, NM_001407745.1, NM_001407746.1 and 11 more transcripts); c.3974-2590T>G (NM_001407962.1); c.545-2590T>G (NM_001408512.1); and 99 more.
Identifiers: ClinVar variation 209398 (VCV000209398.5), dbSNP rs8176194, ClinGen allele CA276370.
Genomic context (GRCh38, chr17:43,079,204, plus strand): 5'-AGCCTGGGCAACAAAAGTGAAACTTCATCTCAAACAAAAACAAAACAAAACAAAACAAAA[A>C]AAATGAAAGGCAGAGGGAAGGCTCAGATACAAACACAGCTATTAAAAAGTCATTCCTCCT-3'